The following is an entry in ClinVar:

NM_001457.4(FLNB):c.1082G>A (p.Gly361Asp)

Gene: FLNB (filamin B; plus strand). Cytogenetic location: 3p14.3.
Variant type: single nucleotide variant.
Coding change: c.1082G>A on transcript NM_001457.4 (MANE Select); coding-DNA position 1082, G replaced by A.
Protein change: p.Gly361Asp; replaces glycine 361 with aspartic acid.
Molecular consequence: missense variant.
Genome position (GRCh38, 1-based): chr3:58,097,912, G>A. VCF-style: chr3-58097912-G-A. GRCh37 (hg19) VCF-style: chr3-58083639-G-A.
Other names: c.1082G>A, p.Gly361Asp (NM_001164317.2, NM_001164318.2, NM_001164319.2); short protein forms G361D.
Identifiers: ClinVar variation 432006 (VCV000432006.3), dbSNP rs794727854, ClinGen allele CA353335772.

ClinVar aggregate classification (germline): Pathogenic. Review status: criteria provided, multiple submitters, no conflicts (2 of 4 stars). 2 submissions from 2 submitters: Pathogenic (2). Last evaluated 2020-08-25.

Conditions:
Larsen syndrome (LRS). Also called: Bilateral dislocation of the knees, pes cavus, cylindrically shaped fingers and characteristic facies; Larsen syndrome (FLNB-LS). Identifiers: Orphanet 503, MedGen C0175778, MONDO:0007875, OMIM 150250. Disease mechanism: loss of function.

Submissions (2):

Institute of Human Genetics Munich, TUM University Hospital
Classification: Pathogenic for Larsen syndrome. Last evaluated: 2020-08-25. Review status: criteria provided, single submitter. Criteria: Classification criteria August 2017. Collection method: clinical testing. Allele origin: de novo. Inheritance: Autosomal dominant inheritance. Affected: yes. Observed: 1 variant allele.

GeneDx
Classification: Pathogenic. Last evaluated: 2017-06-14. Review status: criteria provided, single submitter. Criteria: GeneDx Variant Classification (06012015). Collection method: clinical testing. Allele origin: germline. Affected: yes.
Comment: The G361D variant in the FLNB gene has been reported previously in two individuals with clinical features consistent with Larsen syndrome, but familial segregation data was not available (Daniel et al., 2012). In addition, different missense variants at the same residue (G361S, G361C) have been reported in individuals with features consistent with FLNB-related disorders, including one known de novo case (Bicknell et al., 2007; Daniel et al., 2012). The G361D variant is not observed in large population cohorts (Lek et al., 2016; 1000 Genomes Consortium et al., 2015; Exome Variant Server). The G361D variant is a non-conservative amino acid substitution, which is likely to impact secondary protein structure as these residues differ in polarity, charge, size and/or other properties. This substitution occurs at a position that is conserved across species, and in silico analysis predicts this variant is probably damaging to the protein structure/function. We interpret G361D as a pathogenic variant.